The following is an entry in ClinVar:

ClinVar aggregate classification (germline): Uncertain significance (1 of 4 stars; one submission).

gnomAD v4.1: 45 of 1,613,494 alleles (0.0028%); highest among the groups gnomAD compares: Non-Finnish European, 0.0036%; no homozygotes.

Submission:

Mayo Clinic Laboratories, Mayo Clinic
Classification: Uncertain significance. Last evaluated: 2025-09-24. Review status: criteria provided, single submitter. Criteria: ACMG Guidelines, 2015. Collection method: clinical testing. Allele origin: germline. Observed: 1 variant allele.
Comment: BP4

NM_001126108.2(SLC12A3):c.2627G>T (p.Arg876Ile)

Gene: SLC12A3 (solute carrier family 12 member 3; plus strand). Cytogenetic location: 16q13.
Variant type: single nucleotide variant.
Coding change: c.2627G>T on transcript NM_001126108.2 (MANE Select); coding-DNA position 2627, G replaced by T.
Protein change: p.Arg876Ile; replaces arginine 876 with isoleucine.
Molecular consequence: missense variant.
Genome position (GRCh38, 1-based): chr16:56,894,636, G>T. VCF-style: chr16-56894636-G-T. GRCh37 (hg19) VCF-style: chr16-56928548-G-T.
Other names: p.Arg885Ile; c.2654G>T, p.Arg885Ile (NM_000339.3); c.2651G>T, p.Arg884Ile (NM_001126107.2); c.2624G>T, p.Arg875Ile (NM_001410896.1); short protein forms R884I, R885I, R875I, R876I.
Identifiers: ClinVar variation 4542032 (VCV004542032.1).
Genomic context (GRCh38, chr16:56,894,636, plus strand): 5'-GGAGCAAATGCAAGATCCGTGTGTTCGTAGGCGGCCAGATTAACAGGATGGACCAGGAGA[G>T]AAAGGCGTAAGTGTGGAGGGCTGGCCTGGGGGTGACTGCAGGGACCAGTGTCATCTTAGC-3'
Protein context (NP_001119580.2, residues 866-886): GGQINRMDQE[Arg876Ile]KAIISLLSKF